The following is an entry in ClinVar:

ClinVar aggregate classification (germline): Uncertain significance (1 of 4 stars; one submission).

Conditions:
Dyskeratosis congenita, autosomal recessive 5 (DKCB5). Identifiers: MedGen C3554656, MONDO:0014076, OMIM 615190.
Pulmonary fibrosis and/or bone marrow failure, Telomere-related, 3. Also called: PULMONARY FIBROSIS AND/OR BONE MARROW FAILURE SYNDROME, TELOMERE-RELATED, 3. Identifiers: Orphanet 2032, MedGen C4225346, MONDO:0014613, OMIM 616373.

Submission:

Labcorp Genetics (formerly Invitae), Labcorp
Classification: Uncertain significance for Dyskeratosis congenita, autosomal recessive 5; Pulmonary fibrosis and/or bone marrow failure, Telomere-related, 3. Last evaluated: 2021-06-12. Review status: criteria provided, single submitter. Criteria: Invitae Variant Classification Sherloc (09022015). Collection method: clinical testing. Allele origin: germline.
Comment: Algorithms developed to predict the effect of missense changes on protein structure and function output the following: SIFT: "Tolerated"; PolyPhen-2: "Benign"; Align-GVGD: "Class C0". The leucine amino acid residue is found in multiple mammalian species, suggesting that this missense change does not adversely affect protein function. These predictions have not been confirmed by published functional studies and their clinical significance is uncertain. This sequence change replaces arginine with leucine at codon 1138 of the RTEL1 protein (p.Arg1138Leu). The arginine residue is weakly conserved and there is a moderate physicochemical difference between arginine and leucine. This variant is not present in population databases (ExAC no frequency). This variant has not been reported in the literature in individuals with RTEL1-related conditions. In summary, the available evidence is currently insufficient to determine the role of this variant in disease. Therefore, it has been classified as a Variant of Uncertain Significance.

NM_001283009.2(RTEL1):c.3413G>T (p.Arg1138Leu)

Genes: RTEL1-TNFRSF6B (RTEL1-TNFRSF6B readthrough (NMD candidate); plus strand), RTEL1 (regulator of telomere elongation helicase 1; plus strand). Cytogenetic location: 20q13.33.
Variant type: single nucleotide variant.
Coding change: c.3413G>T on transcript NM_001283009.2 (MANE Select); coding-DNA position 3413, G replaced by T.
Protein change: p.Arg1138Leu; replaces arginine 1138 with leucine.
Molecular consequence: missense variant. On other transcripts: non-coding transcript variant (1).
Genome position (GRCh38, 1-based): chr20:63,695,135, G>T. VCF-style: chr20-63695135-G-T. GRCh37 (hg19) VCF-style: chr20-62326488-G-T.
Other names: c.2744G>T, p.Arg915Leu (NM_001283010.1); c.3413G>T, p.Arg1138Leu (NM_016434.4); c.3485G>T, p.Arg1162Leu (NM_032957.5); short protein forms R1138L, R1162L, R915L.
Identifiers: ClinVar variation 1346991 (VCV001346991.8), dbSNP rs756727783, ClinGen allele CA409685381.